The following is an entry in ClinVar:

NM_130797.4(DPP6):c.2532G>A (p.Val844=)

Gene: DPP6 (dipeptidyl peptidase like 6; plus strand). Cytogenetic location: 7q36.2.
Variant type: single nucleotide variant.
Coding change: c.2532G>A on transcript NM_130797.4 (MANE Select); coding-DNA position 2532, G replaced by A.
Protein change: p.Val844=; no amino-acid change (valine 844 retained).
Molecular consequence: synonymous variant. On other transcripts: non-coding transcript variant (2).
Genome position (GRCh38, 1-based): chr7:154,892,414, G>A. VCF-style: chr7-154892414-G-A. GRCh37 (hg19) VCF-style: chr7-154684124-G-A.
Other names: c.2340G>A, p.Val780= (NM_001039350.3); c.2211G>A, p.Val737= (NM_001290252.2); c.2349G>A, p.Val783= (NM_001364497.2, NM_001364498.2, NM_001364499.2 and 1 more transcripts); c.2346G>A, p.Val782= (NM_001936.5).
Identifiers: ClinVar variation 2658272 (VCV002658272.24), dbSNP rs150122559, ClinGen allele CA4583994.

ClinVar aggregate classification (germline): Likely benign (1 of 4 stars; one submission).

Allele frequency attached by ClinVar (database versions not stated): TOPMed 0.00005; gnomAD 0.00012; ExAC 0.00017; gnomAD exomes 0.00018; 1000 Genomes Project 30x 0.00062; 1000 Genomes Project 0.00080.
gnomAD v4.1: 277 of 1,613,998 alleles (0.017%); highest among the groups gnomAD compares: East Asian, 0.56%; no homozygotes.

Submission:

CeGaT Center for Human Genetics Tuebingen
Classification: Likely benign. Last evaluated: 2024-04-01. Review status: criteria provided, single submitter. Criteria: CeGaT Center For Human Genetics Tuebingen Variant Classification Criteria Version 2. Collection method: clinical testing. Allele origin: germline. Affected: yes. Observed: 2 variant alleles.
Comment: DPP6: BP4, BP7